The following is an entry in ClinVar:

NM_001003722.2(GLE1):c.897+1G>A

Gene: GLE1 (GLE1 RNA export mediator; plus strand). Cytogenetic location: 9q34.11.
Variant type: single nucleotide variant.
Coding change: c.897+1G>A on transcript NM_001003722.2 (MANE Select); the canonical splice donor site of the intron after coding-DNA position 897, G replaced by A.
Molecular consequence: splice donor variant.
Genome position (GRCh38, 1-based): chr9:128,523,847, G>A. VCF-style: chr9-128523847-G-A. GRCh37 (hg19) VCF-style: chr9-131286126-G-A.
Other names: c.897+1G>A (NM_001499.2, NM_001411013.1).
Identifiers: ClinVar variation 4814502 (VCV004814502.1).

ClinVar aggregate classification (germline): Likely pathogenic (1 of 4 stars; one submission).

Conditions:
Lethal congenital contractural syndrome Finnish type.

Submission:

Natera, Inc.
Classification: Likely pathogenic for Lethal congenital contractural syndrome Finnish type. Last evaluated: 2025-06-13. Review status: criteria provided, single submitter. Criteria: Natera Variant Classification Schema (03/2026). Collection method: clinical testing. Allele origin: germline.
Comment: The c.897+1G>A variant in GLE1 is a canonical splice donor site variant predicted to affect pre-mRNA splicing, which may result in an abnormal transcript and altered protein product. This variant is expected to result in nonsense mediated decay, truncation, or a dysfunctional protein product. This variant is rare in the general population with a frequency below the threshold expected for the associated phenotype(s). Given the available evidence, this variant is classified as Likely Pathogenic.